The following is an entry in ClinVar:

NM_030787.4(CFHR5):c.197T>C (p.Phe66Ser)

Gene: CFHR5 (complement factor H related 5; plus strand). Cytogenetic location: 1q31.3.
Variant type: single nucleotide variant.
Coding change: c.197T>C on transcript NM_030787.4 (MANE Select); coding-DNA position 197, T replaced by C.
Protein change: p.Phe66Ser; replaces phenylalanine 66 with serine.
Molecular consequence: missense variant.
Genome position (GRCh38, 1-based): chr1:196,983,023, T>C. VCF-style: chr1-196983023-T-C. GRCh37 (hg19) VCF-style: chr1-196952153-T-C.
Other names: short protein forms F66S.
Identifiers: ClinVar variation 5009586 (VCV005009586.1).

ClinVar aggregate classification (germline): Uncertain significance (1 of 4 stars; one submission).

gnomAD v4.1: 2 of 1,614,060 alleles (0.00012%); highest among the groups gnomAD compares: East Asian, 0.0022%; no homozygotes.

Submission:

GeneDx
Classification: Uncertain significance. Last evaluated: 2026-03-21. Review status: criteria provided, single submitter. Criteria: GeneDx Variant Classification Process June 2021. Collection method: clinical testing. Allele origin: germline.
Comment: Not observed at significant frequency in large population cohorts (gnomAD); In silico analysis suggests that this missense variant does not alter protein structure/function; Has not been previously published as pathogenic or benign to our knowledge